The following is an entry in ClinVar:

ClinVar aggregate classification (germline): Likely benign. Review status: criteria provided, multiple submitters, no conflicts (2 of 4 stars). 2 submissions from 2 submitters: Likely benign (2). Last evaluated 2023-06-10.

Conditions:
STAT3 gain of function. Identifiers: MedGen C4288261.
Hyper-IgE recurrent infection syndrome 1, autosomal dominant. Also called: JOB SYNDROME; HYPER-IgE SYNDROME 1, AUTOSOMAL DOMINANT, WITH RECURRENT INFECTIONS; Hyper-IgE recurrent infection syndrome 1; STAT3 Hyper IgE Syndrome; Job's Syndrome. Identifiers: Orphanet 2314, MedGen C2936739, MONDO:0007818, OMIM 147060.

Allele frequency attached by ClinVar (database versions not stated): gnomAD exomes below 0.00001; TOPMed below 0.00001; ExAC 0.00001; gnomAD 0.00001.
gnomAD v4.1: 2 of 1,613,360 alleles (0.00012%); highest among the groups gnomAD compares: African/African-American, 0.0027%; no homozygotes.

Submissions (2):

Labcorp Genetics (formerly Invitae), Labcorp
Classification: Likely benign for STAT3 gain of function; Hyper-IgE recurrent infection syndrome 1, autosomal dominant. Last evaluated: 2023-06-10. Review status: criteria provided, single submitter. Criteria: Invitae Variant Classification Sherloc (09022015). Collection method: clinical testing. Allele origin: germline.

Laboratory for Molecular Medicine, Mass General Brigham Personalized Medicine
Classification: Likely benign. Last evaluated: 2016-03-16. Review status: criteria provided, single submitter. Criteria: LMM Criteria. Collection method: clinical testing. Allele origin: germline. Observed: 1 variant allele.
Comment: c.1366-11T>C in intron 15 of STAT3: This variant is not expected to have clinica l significance because a T>C change at this position does not diverge from the s plice consensus sequence and is therefore unlikely to impact splicing. It has be en identified in 1/10320 African chromosomes by the Exome Aggregation Consortium (ExAC; dbSNP rs761523186).

NM_139276.3(STAT3):c.1366-11T>C

Gene: STAT3 (signal transducer and activator of transcription 3; minus strand). Cytogenetic location: 17q21.2.
Variant type: single nucleotide variant.
Coding change: c.1366-11T>C on transcript NM_139276.3 (MANE Select); 11 bases into the intron before coding-DNA position 1366, T replaced by C.
Molecular consequence: intron variant.
Genome position (GRCh38, 1-based): chr17:42,325,072, A>G on the plus strand (T>C on the coding strand, the complement: STAT3 is on the minus strand). VCF-style: chr17-42325072-A-G. GRCh37 (hg19) VCF-style: chr17-40477090-A-G.
Other names: c.1366-11T>C (NM_001369519.1, NM_003150.4, NM_001369517.1 and 7 more transcripts).
Identifiers: ClinVar variation 227962 (VCV000227962.8), dbSNP rs761523186, ClinGen allele CA8575334.